The following is an entry in ClinVar:

ClinVar aggregate classification (germline): Likely pathogenic. Review status: criteria provided, multiple submitters, no conflicts (2 of 4 stars). 3 submissions from 3 submitters: Likely pathogenic (2). 1 of the submissions does not count toward it. Last evaluated 2023-09-26.

Conditions:
Muscular dystrophy-dystroglycanopathy (congenital with brain and eye anomalies), type A3. Also called: Congenital muscular dystrophy-dystroglycanopathy with brain and eye anomalies, type A3; Muscular dystrophy-dystroglycanopathy (congenital with brain and eye anomalies), type A, 3; WALKER-WARBURG SYNDROME OR MUSCLE-EYE-BRAIN DISEASE, POMGNT1-RELATED. Identifiers: MedGen C3151519, MONDO:0009667, OMIM 253280.
Muscular dystrophy-dystroglycanopathy (congenital with impaired intellectual development), type B, 3. Also called: Muscular dystrophy-dystroglycanopathy (congenital with intellectual disability), type B3; MUSCULAR DYSTROPHY, CONGENITAL, POMGNT1-RELATED. Identifiers: MedGen C3150412, MONDO:0013155, OMIM 613151.
Autosomal recessive limb-girdle muscular dystrophy type 2O. Also called: Limb-Girdle Muscular Dystrophy Type 3C; MUSCULAR DYSTROPHY-DYSTROGLYCANOPATHY (LIMB-GIRDLE), TYPE C, 3; MUSCULAR DYSTROPHY-DYSTROGLYCANOPATHY, LIMB-GIRDLE, POMGNT1-RELATED. Identifiers: Orphanet 206564, MedGen C3150417, MONDO:0013161, OMIM 613157.

Allele frequency attached by ClinVar (database versions not stated): TOPMed below 0.00001.

Submissions (3):

Baylor Genetics
Classification: Likely pathogenic for Muscular dystrophy-dystroglycanopathy (congenital with brain and eye anomalies), type A3. Last evaluated: 2023-09-26. Review status: criteria provided, single submitter. Criteria: ACMG Guidelines, 2015. Collection method: clinical testing. Allele origin: unknown.

Labcorp Genetics (formerly Invitae), Labcorp
Classification: Likely pathogenic for Autosomal recessive limb-girdle muscular dystrophy type 2O; Muscular dystrophy-dystroglycanopathy (congenital with impaired intellectual development), type B, 3. Last evaluated: 2023-09-14. Review status: criteria provided, single submitter. Criteria: Invitae Variant Classification Sherloc (09022015). Collection method: clinical testing. Allele origin: germline.
Comment: In summary, the currently available evidence indicates that the variant is pathogenic, but additional data are needed to prove that conclusively. Therefore, this variant has been classified as Likely Pathogenic. Algorithms developed to predict the effect of sequence changes on RNA splicing suggest that this variant may disrupt the consensus splice site. ClinVar contains an entry for this variant (Variation ID: 553347). This variant has not been reported in the literature in individuals affected with POMGNT1-related conditions. This variant is not present in population databases (gnomAD no frequency). This sequence change affects a donor splice site in intron 19 of the POMGNT1 gene. It is expected to disrupt RNA splicing. Variants that disrupt the donor or acceptor splice site typically lead to a loss of protein function (PMID: 16199547), and loss-of-function variants in POMGNT1 are known to be pathogenic (PMID: 19299310, 20816175, 21447391, 26908613, 27391550).

Counsyl
Classification: Likely pathogenic for Muscular dystrophy-dystroglycanopathy (congenital with brain and eye anomalies), type A3. Last evaluated: 2017-08-16. Review status: no assertion criteria provided. Collection method: clinical testing. Allele origin: unknown. Not counted in ClinVar's aggregate classification.

Literature cited by the submitters: PubMed 16199547 (cited by Labcorp Genetics (formerly Invitae), Labcorp); PubMed 19299310 (cited by Labcorp Genetics (formerly Invitae), Labcorp); PubMed 20816175 (cited by Labcorp Genetics (formerly Invitae), Labcorp); PubMed 21447391 (cited by Labcorp Genetics (formerly Invitae), Labcorp); PubMed 26908613 (cited by Labcorp Genetics (formerly Invitae), Labcorp); PubMed 27391550 (cited by Labcorp Genetics (formerly Invitae), Labcorp).

NM_017739.4(POMGNT1):c.1649+2T>G

Genes: POMGNT1 (protein O-linked mannose N-acetylglucosaminyltransferase 1 (beta 1,2-); minus strand), TSPAN1 (tetraspanin 1; plus strand). Cytogenetic location: 1p34.1.
Variant type: single nucleotide variant.
Coding change: c.1649+2T>G on transcript NM_017739.4 (MANE Select); the canonical splice donor site of the intron after coding-DNA position 1649, T replaced by G.
Molecular consequence: splice donor variant.
Genome position (GRCh38, 1-based): chr1:46,190,471, A>C on the plus strand (T>G on the coding strand, the complement: POMGNT1 is on the minus strand). VCF-style: chr1-46190471-A-C. GRCh37 (hg19) VCF-style: chr1-46656143-A-C.
Other names: c.1649+2T>G (NM_001243766.2, NM_001438686.1, NM_001438688.1 and 3 more transcripts); c.1583+2T>G (NM_001290129.3, NM_001438691.1, NM_001438692.1); c.1220+2T>G (NM_001290130.2).
Identifiers: ClinVar variation 553347 (VCV000553347.6), dbSNP rs1268759044, ClinGen allele CA340171728.
Genomic context (GRCh38, chr1:46,190,471, plus strand): 5'-GCCAAGATCCCCAGTATTTGACTCTTTGCTCCCTGCTACACCCCAATTGTCCTAGGCCAT[A>C]CCTGAGCAGCCTGTGAACTTCCACTTCATAAGCTTCTTTCTTCAGACTGAAGAGGAGGGA-3'